The following is an entry in ClinVar:

NM_000304.4(PMP22):c.61G>C (p.Val21Leu)

Gene: PMP22 (peripheral myelin protein 22; minus strand). Cytogenetic location: 17p12.
Variant type: single nucleotide variant.
Coding change: c.61G>C on transcript NM_000304.4 (MANE Select); coding-DNA position 61, G replaced by C.
Protein change: p.Val21Leu; replaces valine 21 with leucine.
Molecular consequence: missense variant.
Genome position (GRCh38, 1-based): chr17:15,260,667, C>G on the plus strand (G>C on the coding strand, the complement: PMP22 is on the minus strand). VCF-style: chr17-15260667-C-G. GRCh37 (hg19) VCF-style: chr17-15163984-C-G.
Other names: c.61G>C, p.Val21Leu (NM_001281455.2, NM_001281456.2, NM_001330143.2 and 2 more transcripts); short protein forms V21L.
Identifiers: ClinVar variation 3373066 (VCV003373066.3).
Genomic context (GRCh38, chr17:15,260,667, plus strand): 5'-GGAAGGGCGGGCCGCGCAGGGAGCCTCCCCGCCAGGCACTCACGCTGACGATCGTGGAGA[C>G]GAACAGCAGCACCAGCACCGCGACGTGGAGGACGATGATACTCAGCAACAGGAGGAGCAT-3'
Protein context (NP_000295.1, residues 11-31): LHVAVLVLLF[Val21Leu]STIVSQWIVG

ClinVar aggregate classification (germline): Uncertain significance. Review status: criteria provided, multiple submitters, no conflicts (2 of 4 stars). 2 submissions from 2 submitters: Uncertain significance (2). Last evaluated 2024-10-02.

Conditions:
Charcot-Marie-Tooth disease, type I (CMT1). Also called: Charcot-Marie-Tooth, Type 1; Charcot-Marie-Tooth disease type 1. Identifiers: Orphanet 65753, MedGen C0751036, MONDO:0019011.

Submissions (2):

Labcorp Genetics (formerly Invitae), Labcorp
Classification: Uncertain significance for Charcot-Marie-Tooth disease, type I. Last evaluated: 2024-10-02. Review status: criteria provided, single submitter. Criteria: Invitae Variant Classification Sherloc (09022015). Collection method: clinical testing. Allele origin: germline.
Comment: This sequence change replaces valine, which is neutral and non-polar, with leucine, which is neutral and non-polar, at codon 21 of the PMP22 protein (p.Val21Leu). This variant is not present in population databases (gnomAD no frequency). This variant has not been reported in the literature in individuals affected with PMP22-related conditions. Invitae Evidence Modeling of protein sequence and biophysical properties (such as structural, functional, and spatial information, amino acid conservation, physicochemical variation, residue mobility, and thermodynamic stability) indicates that this missense variant is not expected to disrupt PMP22 protein function with a negative predictive value of 95%. In summary, the available evidence is currently insufficient to determine the role of this variant in disease. Therefore, it has been classified as a Variant of Uncertain Significance.

GeneDx
Classification: Uncertain significance. Last evaluated: 2024-04-29. Review status: criteria provided, single submitter. Criteria: GeneDx Variant Classification Process June 2021. Collection method: clinical testing. Allele origin: germline. Affected: yes.
Comment: Not observed at significant frequency in large population cohorts (gnomAD); In silico analysis indicates that this missense variant does not alter protein structure/function; Has not been previously published as pathogenic or benign to our knowledge